The following is an entry in ClinVar:

NM_020706.2(SCAF4):c.2879AGC[4] (p.Gln964_Gln966del)

Gene: SCAF4 (SR-related CTD associated factor 4; minus strand). Cytogenetic location: 21q22.11.
Variant type: Microsatellite.
Coding change: c.2879AGC[4] on transcript NM_020706.2 (MANE Select); four copies in a row of the 3-base unit AGC starting at c.2879; the reference has seven copies in a row; three copies, 9 bases deleted.
Protein change: p.Gln964_Gln966del.
Genome position (GRCh38, 1-based): chr21:31,671,944-31,671,952, GCTGCTGCT deleted on the plus strand (AGCAGCAGC on the coding strand, the reverse complement: SCAF4 is on the minus strand); deleting any 9 consecutive bases within chr21:31,671,944-31,671,965 gives the same sequence; the position shown is the placement nearest the transcript's 3' end. VCF-style (leftmost placement, unchanged base first): chr21-31671943-GGCTGCTGCT-G. GRCh37 (hg19) VCF-style: chr21-33044256-GGCTGCTGCT-G.
Other names: c.2834AGC[4], p.Gln949_Gln951del (NM_001145444.1); c.2813AGC[4], p.Gln942_Gln944del (NM_001145445.1).
Identifiers: ClinVar variation 5040861 (VCV005040861.1).
Genomic context (GRCh38, chr21:31,671,943, plus strand): 5'-TTATCATTTCTAAACTGCTGTGGCTGCTGCTGTGTTGGTGGAGGCTGTTGTGATGGTGGT[GGCTGCTGCT>G]GCTGCTGCTGCTGTGGTTGCTGGGGCGCCTGCGGCTGTGGCTGCTGCTGTGGCTGCTGCG-3'

ClinVar aggregate classification (germline): Benign (1 of 4 stars; one submission).

Submission:

CeGaT Center for Human Genetics Tuebingen
Classification: Benign. Last evaluated: 2026-09-01. Review status: criteria provided, single submitter. Criteria: CeGaT Center For Human Genetics Tuebingen Variant Classification Criteria Version 2. Collection method: clinical testing. Allele origin: germline. Affected: yes. Observed: 1 variant allele.
Comment: SCAF4: BS1, BS2